The following is an entry in ClinVar:

NM_198576.4(AGRN):c.1979G>T (p.Arg660Leu)

Gene: AGRN (agrin; plus strand). Cytogenetic location: 1p36.33.
Variant type: single nucleotide variant.
Coding change: c.1979G>T on transcript NM_198576.4 (MANE Select); coding-DNA position 1979, G replaced by T.
Protein change: p.Arg660Leu; replaces arginine 660 with leucine.
Molecular consequence: missense variant.
Genome position (GRCh38, 1-based): chr1:1,044,003, G>T. VCF-style: chr1-1044003-G-T. GRCh37 (hg19) VCF-style: chr1-979383-G-T.
Other names: c.1979G>T, p.Arg660Leu (NM_001305275.2); c.1664G>T, p.Arg555Leu (NM_001364727.2); c.1979G>T (NM_198576.3); short protein forms R555L, R660L.
Identifiers: ClinVar variation 1046330 (VCV001046330.6), dbSNP rs370983524, ClinGen allele CA508400.
Genomic context (GRCh38, chr1:1,044,003, plus strand): 5'-GCAGTGCCTGCGAGCTACGGGAAGCCGCCTGCCTCCAGCAGACACAGATCGAGGAGGCCC[G>T]GGCAGGGCCGTGCGAGCAGGGTAGGCCGGGGGACGCTGGCGAAAACTGCTGGGCTCTGGC-3'
Protein context (NP_940978.2, residues 650-670): CLQQTQIEEA[Arg660Leu]AGPCEQAECG

ClinVar aggregate classification (germline): Uncertain significance. Review status: criteria provided, multiple submitters, no conflicts (2 of 4 stars). 2 submissions from 2 submitters: Uncertain significance (2). Last evaluated 2022-03-04.

Conditions:
Congenital myasthenic syndrome 8. Also called: Myasthenic syndrome, congenital, 8, with pre- and postsynaptic defects; MYASTHENIC SYNDROME, CONGENITAL, DUE TO AGRIN DEFICIENCY. Identifiers: Orphanet 590, MedGen C3808739, MONDO:0014052, OMIM 615120.
Inborn genetic diseases. Identifiers: MedGen C0950123, MeSH D030342.

Allele frequency attached by ClinVar (database versions not stated): TOPMed 0.00009.
gnomAD v4.1: 31 of 1,607,516 alleles (0.0019%); highest among the groups gnomAD compares: Non-Finnish European, 0.0025%; no homozygotes.

Submissions (2):

Ambry Genetics
Classification: Uncertain significance for Inborn genetic diseases. Last evaluated: 2022-03-04. Review status: criteria provided, single submitter. Criteria: Ambry Variant Classification Scheme 2023. Collection method: clinical testing. Allele origin: germline.
Comment: The c.1979G>T (p.R660L) alteration is located in exon 10 (coding exon 10) of the AGRN gene. This alteration results from a G to T substitution at nucleotide position 1979, causing the arginine (R) at amino acid position 660 to be replaced by a leucine (L). Based on data from gnomAD, the T allele has an overall frequency of 0.001% (3/237176) total alleles studied. The highest observed frequency was 0.003% (3/106828) of European (non-Finnish) alleles. This amino acid position is not well conserved in available vertebrate species. This alteration is predicted to be tolerated by in silico analysis. Based on insufficient or conflicting evidence, the clinical significance of this alteration remains unclear.

Labcorp Genetics (formerly Invitae), Labcorp
Classification: Uncertain significance for Congenital myasthenic syndrome 8. Last evaluated: 2021-08-26. Review status: criteria provided, single submitter. Criteria: Invitae Variant Classification Sherloc (09022015). Collection method: clinical testing. Allele origin: germline.
Comment: This sequence change replaces arginine with leucine at codon 660 of the AGRN protein (p.Arg660Leu). The arginine residue is moderately conserved and there is a moderate physicochemical difference between arginine and leucine. This variant is present in population databases (rs370983524, ExAC 0.002%). This variant has not been reported in the literature in individuals affected with AGRN-related conditions. Algorithms developed to predict the effect of missense changes on protein structure and function are either unavailable or do not agree on the potential impact of this missense change (SIFT: "Deleterious"; PolyPhen-2: "Possibly Damaging"; Align-GVGD: "Class C0"). In summary, the available evidence is currently insufficient to determine the role of this variant in disease. Therefore, it has been classified as a Variant of Uncertain Significance.